The following is an entry in ClinVar:

NM_020831.6(MRTFA):c.2623_2625del (p.Glu875del)

Gene: MRTFA (myocardin related transcription factor A; minus strand). Cytogenetic location: 22q13.1.
Variant type: Deletion.
Coding change: c.2623_2625del on transcript NM_020831.6 (MANE Select); coding-DNA positions 2623 to 2625, 3 bases deleted (GAG; older notation c.2623_2625delGAG).
Protein change: p.Glu875del; deletes glutamic acid 875.
Molecular consequence: inframe deletion.
Genome position (GRCh38, 1-based): chr22:40,411,861-40,411,863, CTC deleted on the plus strand (GAG on the coding strand, the reverse complement: MRTFA is on the minus strand); deleting any 3 consecutive bases within chr22:40,411,861-40,411,865 gives the same sequence; the c. name uses the placement nearest the transcript's 3' end. VCF-style (leftmost placement, unchanged base first): chr22-40411860-TCTC-T. GRCh37 (hg19) VCF-style: chr22-40807864-TCTC-T.
Other names: c.2323_2325del, p.Glu775del (NM_001282660.2); c.2473_2475del, p.Glu825del (NM_001282661.3); c.2633_2635del, p.Gly878del (NM_001282662.3); c.2428_2430del, p.Glu810del (NM_001318139.2); short protein forms G878del, E810del, E875del, E775del, E825del.
Identifiers: ClinVar variation 1918182 (VCV001918182.5), dbSNP rs1002869245, ClinGen allele CA324458460.

ClinVar aggregate classification (germline): Uncertain significance (1 of 4 stars; one submission).

Submission:

Labcorp Genetics (formerly Invitae), Labcorp
Classification: Uncertain significance. Last evaluated: 2022-05-24. Review status: criteria provided, single submitter. Criteria: Invitae Variant Classification Sherloc (09022015). Collection method: clinical testing. Allele origin: germline.
Comment: In summary, the available evidence is currently insufficient to determine the role of this variant in disease. Therefore, it has been classified as a Variant of Uncertain Significance. Experimental studies and prediction algorithms are not available or were not evaluated, and the functional significance of this variant is currently unknown. This variant has not been reported in the literature in individuals affected with MKL1-related conditions. This variant is present in population databases (no rsID available, gnomAD 0.01%). This variant, c.2323_2325del, results in the deletion of 1 amino acid(s) of the MKL1 protein (p.Glu775del), but otherwise preserves the integrity of the reading frame.